The following is an entry in ClinVar:

ClinVar aggregate classification (germline): Likely benign (1 of 4 stars; one submission).

Submission:

CeGaT Center for Human Genetics Tuebingen
Classification: Likely benign. Last evaluated: 2023-01-01. Review status: criteria provided, single submitter. Criteria: CeGaT Center For Human Genetics Tuebingen Variant Classification Criteria Version 2. Collection method: clinical testing. Allele origin: germline. Affected: yes. Observed: 1 variant allele.
Comment: STAG1: BP4, BP7

NM_005862.3(STAG1):c.2028A>C (p.Leu676=)

Gene: STAG1 (STAG1 cohesin complex component; minus strand). Cytogenetic location: 3q22.3.
Variant type: single nucleotide variant.
Coding change: c.2028A>C on transcript NM_005862.3 (MANE Select); coding-DNA position 2028, A replaced by C.
Protein change: p.Leu676=; no amino-acid change (leucine 676 retained).
Molecular consequence: synonymous variant.
Genome position (GRCh38, 1-based): chr3:136,422,419, T>G on the plus strand (A>C on the coding strand, the complement: STAG1 is on the minus strand). VCF-style: chr3-136422419-T-G. GRCh37 (hg19) VCF-style: chr3-136141261-T-G.
Identifiers: ClinVar variation 2654176 (VCV002654176.24), dbSNP rs1298631773, ClinGen allele CA435840259.